The following is an entry in ClinVar:

ClinVar aggregate classification (germline): Uncertain significance (1 of 4 stars; one submission).

Conditions:
Lynch syndrome. Identifiers: Orphanet 144, MedGen C4552100, MONDO:0005835. Disease mechanism: loss of function.

Submission:

All of Us Research Program, National Institutes of Health
Classification: Uncertain significance for Lynch syndrome. Last evaluated: 2024-06-11. Review status: criteria provided, single submitter. Criteria: ACMG Guidelines, 2015. Collection method: clinical testing. Allele origin: germline. Inheritance: Autosomal dominant inheritance. Observed: 1 variant allele, 1 heterozygote.
Comment: This study involves interpretation of variants in research participants for the purpose of population health screening. Participant phenotype was not available at the time of variant classification. Additional details can be found in publication PMID: 35346344, PMCID: PMC8962531

NM_000179.3(MSH6):c.1213T>G (p.Ser405Ala)

Gene: MSH6 (mutS homolog 6; plus strand). Cytogenetic location: 2p16.3.
Variant type: single nucleotide variant.
Coding change: c.1213T>G on transcript NM_000179.3 (MANE Select); coding-DNA position 1213, T replaced by G.
Protein change: p.Ser405Ala; replaces serine 405 with alanine.
Molecular consequence: missense variant. On other transcripts: non-coding transcript variant (4), intron variant (1).
Genome position (GRCh38, 1-based): chr2:47,799,196, T>G. VCF-style: chr2-47799196-T-G. GRCh37 (hg19) VCF-style: chr2-48026335-T-G.
Other names: c.823T>G, p.Ser275Ala (NM_001281492.2); c.307T>G, p.Ser103Ala (NM_001281493.2, NM_001281494.2, NM_001406811.1 and 6 more transcripts); c.1309T>G, p.Ser437Ala (NM_001406795.1, NM_001406802.1); c.1213T>G, p.Ser405Ala (NM_001406796.1, NM_001406798.1, NM_001406800.1 and 4 more transcripts); c.916T>G, p.Ser306Ala (NM_001406797.1, NM_001406801.1, NM_001406805.1 and 10 more transcripts); c.688T>G, p.Ser230Ala (NM_001406799.1, NM_001406806.1, NM_001406807.1); c.1135T>G, p.Ser379Ala (NM_001406804.1); c.1219T>G, p.Ser407Ala (NM_001406813.1); and 2 more; short protein forms S103A, S230A, S275A, S306A, S349A, S379A, S405A, S407A.
Identifiers: ClinVar variation 3387060 (VCV003387060.1).